The following is an entry in ClinVar:

NM_016729.3(FOLR1):c.714C>T (p.Pro238=)

Genes: FOLR1-AS1 (FOLR1 antisense RNA 1; minus strand), FOLR1 (folate receptor alpha; plus strand). Cytogenetic location: 11q13.4.
Variant type: single nucleotide variant.
Coding change: c.714C>T on transcript NM_016729.3 (MANE Select); coding-DNA position 714, C replaced by T.
Protein change: p.Pro238=; no amino-acid change (proline 238 retained).
Molecular consequence: synonymous variant.
Genome position (GRCh38, 1-based): chr11:72,196,117, C>T. VCF-style: chr11-72196117-C-T. GRCh37 (hg19) VCF-style: chr11-71907161-C-T.
Other names: c.714C>T, p.Pro238= (NM_000802.3, NM_016724.3, NM_016725.3).
Identifiers: ClinVar variation 381061 (VCV000381061.10), dbSNP rs1057520942, ClinGen allele CA16607008.
Genomic context (GRCh38, chr11:72,196,117, plus strand): 5'-GGGCAACCCCAATGAGGAGGTGGCGAGGTTCTATGCTGCAGCCATGAGTGGGGCTGGGCC[C>T]TGGGCAGCCTGGCCTTTCCTGCTTAGCCTGGCCCTAATGCTGCTGTGGCTGCTCAGCTGA-3'
Protein context (NP_057941.1, residues 228-248): FYAAAMSGAG[Pro238=]WAAWPFLLSL

ClinVar aggregate classification (germline): Likely benign. Review status: criteria provided, multiple submitters, no conflicts (2 of 4 stars). 2 submissions from 2 submitters: Likely benign (2). Last evaluated 2023-10-13.

Conditions:
Cerebral folate transport deficiency. Also called: NEURODEGENERATION DUE TO CEREBRAL FOLATE TRANSPORT DEFICIENCY; FOLR1-Related Cerebral Folate Transport Deficiency; FOLATE RECEPTOR DEFICIENCY; Cerebral folate deficiency syndrome; Neurodegenerative syndrome due to cerebral folate transport deficiency. Identifiers: Orphanet 217382, MedGen C2751584, MONDO:0013110, OMIM 613068. Disease mechanism: loss of function.

Allele frequency attached by ClinVar (database versions not stated): gnomAD exomes below 0.00001; TOPMed 0.00001.

Submissions (2):

Labcorp Genetics (formerly Invitae), Labcorp
Classification: Likely benign for Cerebral folate transport deficiency. Last evaluated: 2023-10-13. Review status: criteria provided, single submitter. Criteria: Invitae Variant Classification Sherloc (09022015). Collection method: clinical testing. Allele origin: germline.

GeneDx
Classification: Likely benign. Last evaluated: 2015-10-14. Review status: criteria provided, single submitter. Criteria: GeneDx Variant Classification (06012015). Collection method: clinical testing. Allele origin: germline. Affected: yes.
Comment: This variant is considered likely benign or benign based on one or more of the following criteria: it is a conservative change, it occurs at a poorly conserved position in the protein, it is predicted to be benign by multiple in silico algorithms, and/or has population frequency not consistent with disease.